The following is an entry in ClinVar:

NM_001048174.2(MUTYH):c.544C>G (p.Gln182Glu)

Gene: MUTYH (mutY DNA glycosylase; minus strand). Cytogenetic location: 1p34.1.
Variant type: single nucleotide variant.
Coding change: c.544C>G on transcript NM_001048174.2 (MANE Select); coding-DNA position 544, C replaced by G.
Protein change: p.Gln182Glu; replaces glutamine 182 with glutamic acid.
Molecular consequence: missense variant. On other transcripts: non-coding transcript variant (7).
Genome position (GRCh38, 1-based): chr1:45,332,636, G>C on the plus strand (C>G on the coding strand, the complement: MUTYH is on the minus strand). VCF-style: chr1-45332636-G-C. GRCh37 (hg19) VCF-style: chr1-45798308-G-C.
Other names: c.586C>G, p.Gln196Glu (NM_001407083.1, NM_001407085.1); c.547C>G, p.Gln183Glu (NM_001407086.1, NM_001048172.2, NM_001407071.1 and 1 more transcripts); c.565C>G, p.Gln189Glu (NM_001407087.1); c.544C>G, p.Gln182Glu (NM_001407088.1, NM_001407089.1, NM_001048171.2 and 6 more transcripts); c.268C>G, p.Gln90Glu (NM_001407091.1, NM_001293192.2, NM_001293196.2); c.619C>G, p.Gln207Glu (NM_012222.3); c.628C>G, p.Gln210Glu (NM_001128425.2); c.589C>G, p.Gln197Glu (NM_001293190.2); and 5 more; short protein forms Q154E, Q168E, Q169E, Q182E, Q183E, Q189E, Q193E, Q196E.
Identifiers: ClinVar variation 2676895 (VCV002676895.4), dbSNP rs376561094, ClinGen allele CA340135370.
Genomic context (GRCh38, chr1:45,332,636, plus strand): 5'-GGCCAAAGGCGATAGAGGCAATGGCCCCAGCTGTGTAGCGCCCCACGCCAGGCAGGAGCT[G>C]CTGCAGGGTCTCTGCTGTACGTGGCATGTGGCCCCCTAGCTCCTCTACCACCTGATTGGA-3'
Protein context (NP_001041639.1, residues 172-192): HMPRTAETLQ[Gln182Glu]LLPGVGRYTA

ClinVar aggregate classification (germline): Uncertain significance. Review status: criteria provided, multiple submitters, no conflicts (2 of 4 stars). 3 submissions from 3 submitters: Uncertain significance (3). Last evaluated 2025-08-27.

Conditions:
Hereditary cancer-predisposing syndrome. Also called: Neoplastic Syndromes, Hereditary; Tumor predisposition; Hereditary Cancer Syndrome; Hereditary neoplastic syndrome. Identifiers: Orphanet 140162, MedGen C0027672, MeSH D009386, MONDO:0015356.
Familial adenomatous polyposis 2. Also called: COLORECTAL ADENOMATOUS POLYPOSIS, AUTOSOMAL RECESSIVE; ADENOMAS, MULTIPLE COLORECTAL, AUTOSOMAL RECESSIVE; FAP type 2; MUTYH Polyposis; MYH-associated polyposis; Adenomas, multiple colorectal. Identifiers: Orphanet 220460, Orphanet 247798, MedGen C3272841, MONDO:0012041, OMIM 608456.

Submissions (3):

Ambry Genetics
Classification: Uncertain significance for Hereditary cancer-predisposing syndrome. Last evaluated: 2025-08-27. Review status: criteria provided, single submitter. Criteria: Ambry Variant Classification Scheme 2023. Collection method: clinical testing. Allele origin: germline.
Comment: The p.Q210E variant (also known as c.628C>G), located in coding exon 8 of the MUTYH gene, results from a C to G substitution at nucleotide position 628. The glutamine at codon 210 is replaced by glutamic acid, an amino acid with highly similar properties. This amino acid position is conserved. In addition, this alteration is predicted to be tolerated by in silico analysis. Based on the available evidence, the clinical significance of this variant remains unclear.

Labcorp Genetics (formerly Invitae), Labcorp
Classification: Uncertain significance for Familial adenomatous polyposis 2. Last evaluated: 2024-06-26. Review status: criteria provided, single submitter. Criteria: Invitae Variant Classification Sherloc (09022015). Collection method: clinical testing. Allele origin: germline.
Comment: This sequence change replaces glutamine, which is neutral and polar, with glutamic acid, which is acidic and polar, at codon 210 of the MUTYH protein (p.Gln210Glu). This variant is not present in population databases (gnomAD no frequency). This variant has not been reported in the literature in individuals affected with MUTYH-related conditions. An algorithm developed to predict the effect of missense changes on protein structure and function (PolyPhen-2) suggests that this variant is likely to be tolerated. In summary, the available evidence is currently insufficient to determine the role of this variant in disease. Therefore, it has been classified as a Variant of Uncertain Significance.

Baylor Genetics
Classification: Uncertain significance for Familial adenomatous polyposis 2. Last evaluated: 2023-08-20. Review status: criteria provided, single submitter. Criteria: ACMG Guidelines, 2015. Collection method: clinical testing. Allele origin: unknown.